The following is an entry in ClinVar:

ClinVar aggregate classification (germline): Benign. Review status: criteria provided, multiple submitters, no conflicts (2 of 4 stars). 3 submissions from 3 submitters: Benign (2). 1 of the submissions does not count toward it. Last evaluated 2018-06-14.

Allele frequency attached by ClinVar (database versions not stated): 1000 Genomes Project 30x 0.01327; 1000 Genomes Project 0.01398; ExAC 0.01719; TOPMed 0.02675; gnomAD exomes 0.02749 and 0.03569; gnomAD 0.02875 and 0.02952.
gnomAD v4.1: 25,070 of 734,444 alleles (3.4%); highest among the groups gnomAD compares: Non-Finnish European, 4.6%; 570 homozygotes.

Submissions (3):

GeneDx
Classification: Benign. Last evaluated: 2018-06-14. Review status: criteria provided, single submitter. Criteria: GeneDx Variant Classification (06012015). Collection method: clinical testing. Allele origin: germline. Affected: yes.
Comment: This variant is considered likely benign or benign based on one or more of the following criteria: it is a conservative change, it occurs at a poorly conserved position in the protein, it is predicted to be benign by multiple in silico algorithms, and/or has population frequency not consistent with disease.

Breakthrough Genomics
Classification: Benign. Review status: criteria provided, single submitter. Criteria: ACMG Guidelines, 2015. Collection method: not provided. Allele origin: germline. Inheritance: Autosomal dominant inheritance. Affected: yes.

ITMI
No classification provided. Condition: AllHighlyPenetrant. Last evaluated: 2013-09-19. Review status: no classification provided. Collection method: reference population. Allele origin: germline. Not counted in ClinVar's aggregate classification.
Comment: Please see associated publication for description of ethnicities

Literature cited by the submitters: PubMed 24728327 (cited by ITMI).

NM_017617.5(NOTCH1):c.5167+208C>T

Gene: NOTCH1 (notch receptor 1; minus strand). Cytogenetic location: 9q34.3.
Variant type: single nucleotide variant.
Coding change: c.5167+208C>T on transcript NM_017617.5 (MANE Select); 208 bases into the intron after coding-DNA position 5167, C replaced by T.
Molecular consequence: intron variant.
Genome position (GRCh38, 1-based): chr9:136,502,974, G>A on the plus strand (C>T on the coding strand, the complement: NOTCH1 is on the minus strand). VCF-style: chr9-136502974-G-A. GRCh37 (hg19) VCF-style: chr9-139397426-G-A.
Other names: c.5167+208C>T (LRG_1122t1).
Identifiers: ClinVar variation 133357 (VCV000133357.2), dbSNP rs11574905, ClinGen allele CA156447.